The following is an entry in ClinVar:

NM_001006658.3(CR2):c.2519G>A (p.Arg840Gln)

Gene: CR2 (complement C3d receptor 2; plus strand). Cytogenetic location: 1q32.2.
Variant type: single nucleotide variant.
Coding change: c.2519G>A on transcript NM_001006658.3 (MANE Select); coding-DNA position 2519, G replaced by A.
Protein change: p.Arg840Gln; replaces arginine 840 with glutamine.
Molecular consequence: missense variant.
Genome position (GRCh38, 1-based): chr1:207,475,019, G>A. VCF-style: chr1-207475019-G-A. GRCh37 (hg19) VCF-style: chr1-207648364-G-A.
Other names: c.2342G>A, p.Arg781Gln (NM_001877.5); short protein forms R840Q, R781Q.
Identifiers: ClinVar variation 860675 (VCV000860675.6), dbSNP rs201254169, ClinGen allele CA1368992.

ClinVar aggregate classification (germline): Conflicting classifications of pathogenicity. Review status: criteria provided, conflicting classifications (1 of 4 stars). 3 submissions from 3 submitters: Uncertain significance (2); Likely benign (1). Last evaluated 2024-02-12.

Conditions:
Inborn genetic diseases. Identifiers: MedGen C0950123, MeSH D030342.
Immunodeficiency, common variable, 7. Identifiers: Orphanet 1572, Orphanet 696894, MedGen C3542922, MONDO:0013862, OMIM 614699.

Allele frequency attached by ClinVar (database versions not stated): ExAC 0.00002; gnomAD 0.00005 and 0.00006; gnomAD exomes 0.00006; TOPMed 0.00007.
gnomAD v4.1: 75 of 1,613,950 alleles (0.0046%); highest among the groups gnomAD compares: Admixed American, 0.0033%; no homozygotes.

Submissions (3):

Ambry Genetics
Classification: Likely benign for Inborn genetic diseases. Last evaluated: 2024-02-12. Review status: criteria provided, single submitter. Criteria: Ambry Variant Classification Scheme 2023. Collection method: clinical testing. Allele origin: germline.

Blueprint Genetics
Classification: Uncertain significance. Last evaluated: 2023-11-16. Review status: criteria provided, single submitter. Criteria: ACMG Guidelines, 2015. Collection method: clinical testing. Allele origin: germline.

Labcorp Genetics (formerly Invitae), Labcorp
Classification: Uncertain significance for Immunodeficiency, common variable, 7. Last evaluated: 2022-07-19. Review status: criteria provided, single submitter. Criteria: Invitae Variant Classification Sherloc (09022015). Collection method: clinical testing. Allele origin: germline.
Comment: This sequence change replaces arginine, which is basic and polar, with glutamine, which is neutral and polar, at codon 840 of the CR2 protein (p.Arg840Gln). This variant is present in population databases (rs201254169, gnomAD 0.1%). This variant has not been reported in the literature in individuals affected with CR2-related conditions. ClinVar contains an entry for this variant (Variation ID: 860675). Algorithms developed to predict the effect of missense changes on protein structure and function output the following: SIFT: "Tolerated"; PolyPhen-2: "Benign"; Align-GVGD: "Class C0". The glutamine amino acid residue is found in multiple mammalian species, which suggests that this missense change does not adversely affect protein function. In summary, the available evidence is currently insufficient to determine the role of this variant in disease. Therefore, it has been classified as a Variant of Uncertain Significance.